The following is an entry in ClinVar:

ClinVar aggregate classification (germline): Uncertain significance (1 of 4 stars; one submission).

Submission:

Labcorp Genetics (formerly Invitae), Labcorp
Classification: Uncertain significance. Last evaluated: 2023-08-04. Review status: criteria provided, single submitter. Criteria: Invitae Variant Classification Sherloc (09022015). Collection method: clinical testing. Allele origin: germline.
Comment: In summary, the available evidence is currently insufficient to determine the role of this variant in disease. Therefore, it has been classified as a Variant of Uncertain Significance. Advanced modeling of protein sequence and biophysical properties (such as structural, functional, and spatial information, amino acid conservation, physicochemical variation, residue mobility, and thermodynamic stability) performed at Invitae indicates that this missense variant is not expected to disrupt COL11A2 protein function. ClinVar contains an entry for this variant (Variation ID: 2009792). This variant has not been reported in the literature in individuals affected with COL11A2-related conditions. This variant is not present in population databases (gnomAD no frequency). This sequence change replaces leucine, which is neutral and non-polar, with phenylalanine, which is neutral and non-polar, at codon 680 of the COL11A2 protein (p.Leu680Phe).

NM_080680.3(COL11A2):c.2038C>T (p.Leu680Phe)

Gene: COL11A2 (collagen type XI alpha 2 chain; minus strand). Cytogenetic location: 6p21.32.
Variant type: single nucleotide variant.
Coding change: c.2038C>T on transcript NM_080680.3 (MANE Select); coding-DNA position 2038, C replaced by T.
Protein change: p.Leu680Phe; replaces leucine 680 with phenylalanine.
Molecular consequence: missense variant.
Genome position (GRCh38, 1-based): chr6:33,177,024, G>A on the plus strand (C>T on the coding strand, the complement: COL11A2 is on the minus strand). VCF-style: chr6-33177024-G-A. GRCh37 (hg19) VCF-style: chr6-33144801-G-A.
Other names: c.1717C>T, p.Leu573Phe (NM_080679.3); c.1780C>T, p.Leu594Phe (NM_080681.3); short protein forms L573F, L680F, L594F.
Identifiers: ClinVar variation 2009792 (VCV002009792.4), dbSNP rs2535122625, ClinGen allele CA363651853.